The following is an entry in ClinVar:

NM_018062.4(FANCL):c.319C>T (p.Pro107Ser)

Gene: FANCL (FA complementation group L; minus strand). Cytogenetic location: 2p16.1.
Variant type: single nucleotide variant.
Coding change: c.319C>T on transcript NM_018062.4 (MANE Select); coding-DNA position 319, C replaced by T.
Protein change: p.Pro107Ser; replaces proline 107 with serine.
Molecular consequence: missense variant.
Genome position (GRCh38, 1-based): chr2:58,221,997, G>A on the plus strand (C>T on the coding strand, the complement: FANCL is on the minus strand). VCF-style: chr2-58221997-G-A. GRCh37 (hg19) VCF-style: chr2-58449132-G-A.
Other names: c.319C>T, p.Pro107Ser (NM_001114636.2, NM_001374615.1, NM_001410792.1); short protein forms P107S.
Identifiers: ClinVar variation 1011875 (VCV001011875.8), dbSNP rs754028115, ClinGen allele CA1670687.
Genomic context (GRCh38, chr2:58,221,997, plus strand): 5'-CATACTTATCCCAACCAAGAGTTCCTATCTCTTCAATAAGGCTTGAGTAGAACTGGGGAG[G>A]AGGAGGTAGTGCATACAGCTCTTGTCTATTCTTTAAGGCAACTTCCTGTTTAAAAGAAGA-3'
Protein context (NP_060532.2, residues 97-117): NRQELYALPP[Pro107Ser]PQFYSSLIEE

ClinVar aggregate classification (germline): Uncertain significance (1 of 4 stars; one submission).

Conditions:
Fanconi anemia (FA). Also called: Fanconi's anemia. Identifiers: Orphanet 84, MedGen C0015625, MeSH D005199, MONDO:0019391.

Allele frequency attached by ClinVar (database versions not stated): ExAC 0.00001; gnomAD exomes 0.00001 and 0.00002.
gnomAD v4.1: 24 of 1,613,570 alleles (0.0015%); highest among the groups gnomAD compares: Non-Finnish European, 0.002%; no homozygotes.

Submission:

Labcorp Genetics (formerly Invitae), Labcorp
Classification: Uncertain significance for Fanconi anemia. Last evaluated: 2024-06-02. Review status: criteria provided, single submitter. Criteria: Invitae Variant Classification Sherloc (09022015). Collection method: clinical testing. Allele origin: germline.
Comment: This sequence change replaces proline, which is neutral and non-polar, with serine, which is neutral and polar, at codon 107 of the FANCL protein (p.Pro107Ser). This variant is present in population databases (rs754028115, gnomAD 0.002%). This variant has not been reported in the literature in individuals affected with FANCL-related conditions. ClinVar contains an entry for this variant (Variation ID: 1011875). Advanced modeling of protein sequence and biophysical properties (such as structural, functional, and spatial information, amino acid conservation, physicochemical variation, residue mobility, and thermodynamic stability) performed at Invitae indicates that this missense variant is not expected to disrupt FANCL protein function with a negative predictive value of 80%. In summary, the available evidence is currently insufficient to determine the role of this variant in disease. Therefore, it has been classified as a Variant of Uncertain Significance.